The following is an entry in ClinVar:

ClinVar aggregate classification (germline): Pathogenic/Likely pathogenic. Review status: criteria provided, multiple submitters, no conflicts (2 of 4 stars). 6 submissions from 6 submitters: Pathogenic (1); Likely pathogenic (4). 1 of the submissions does not count toward it. Last evaluated 2024-01-03.

Conditions:
Hereditary cancer-predisposing syndrome. Also called: Hereditary neoplastic syndrome; Neoplastic Syndromes, Hereditary; Hereditary Cancer Syndrome; Tumor predisposition. Identifiers: Orphanet 140162, MedGen C0027672, MeSH D009386, MONDO:0015356.
Gastric cancer. Also called: Stomach cancer; Malignant tumor of stomach. Identifiers: MedGen C0024623, MeSH D013274, MONDO:0001056, OMIM 613659, HP:0012126.
Hereditary breast ovarian cancer syndrome. Also called: Hereditary breast and ovarian cancer syndrome; Breast and ovarian cancer; Hereditary breast and/or ovarian cancer syndrome; Hereditary breast and ovarian cancer syndrome (HBOC); Hereditary breast and ovarian cancer; BRCA1- and BRCA2-Associated Hereditary Breast and Ovarian Cancer. Identifiers: Orphanet 145, MedGen C0677776, MeSH D061325, MONDO:0003582. Disease mechanism: loss of function.
Fanconi anemia complementation group O. Also called: RAD51C-Related Fanconi Anemia. Identifiers: Orphanet 84, MedGen C3150653, MONDO:0013248, OMIM 613390.
Breast-ovarian cancer, familial, susceptibility to, 3. Also called: RAD51C-Related Breast/Ovarian Cancer. Identifiers: Orphanet 145, MedGen C3150659, MONDO:0013253, OMIM 613399.

Submissions (6):

Myriad Genetics, Inc.
Classification: Likely pathogenic for Breast-ovarian cancer, familial, susceptibility to, 3. Last evaluated: 2024-01-03. Review status: criteria provided, single submitter. Criteria: Myriad Autosomal Dominant, Autosomal Recessive and X-Linked Classification Criteria (2023). Collection method: clinical testing. Allele origin: unknown.
Comment: This variant is considered likely pathogenic. This variant occurs within a consensus splice junction and is predicted to result in abnormal mRNA splicing of either an out-of-frame exon or an in-frame exon necessary for protein stability and/or normal function.

Color Diagnostics, LLC DBA Color Health
Classification: Likely pathogenic for Hereditary cancer-predisposing syndrome. Last evaluated: 2023-03-21. Review status: criteria provided, single submitter. Criteria: ACMG Guidelines, 2015. Collection method: clinical testing. Allele origin: germline.
Comment: This variant causes a G to C nucleotide substitution at the +1 position of intron 5 of the RAD51C gene. Splice site prediction tools predict that this variant may have a significant impact on RNA splicing. Although this prediction has not been confirmed in published RNA studies, this variant is expected to result in an absent or disrupted protein product. This variant has not been reported in individuals affected with RAD51C-related disorders in the literature. This variant has not been identified in the general population by the Genome Aggregation Database (gnomAD). Another variant affecting the same splice site, c.837+1G>A, has been detected in individuals affected with breast and/or ovarian cancer (ClinVar Variation ID: 229854). Loss of RAD51C function is a known mechanism of disease. Based on the available evidence, this variant is classified as Likely Pathogenic.

Ambry Genetics
Classification: Likely pathogenic for Hereditary cancer-predisposing syndrome. Last evaluated: 2023-01-25. Review status: criteria provided, single submitter. Criteria: Ambry Variant Classification Scheme 2023. Collection method: clinical testing. Allele origin: germline.
Comment: The c.837+1G>C intronic variant results from a G to C substitution one nucleotide after coding exon 5 of the RAD51C gene. Alterations that disrupt the canonical splice site are expected to result in aberrant splicing. In silico splice site analysis predicts that this alteration will weaken the native splice donor site. The resulting transcript is predicted to be in-frame and is not expected to trigger nonsense-mediated mRNA decay; however, direct evidence is unavailable. The exact functional effect of the altered amino acid sequence is unknown; however, the impacted region is critical for protein function (Drexler GA et al. DNA Repair (Amst.) 2004 Oct;3(10):1335-43). This variant is considered to be rare based on population cohorts in the Genome Aggregation Database (gnomAD). This nucleotide position is highly conserved in available vertebrate species. Based on the majority of available evidence to date, this variant is likely to be pathogenic.

Labcorp Genetics (formerly Invitae), Labcorp
Classification: Pathogenic for Fanconi anemia complementation group O. Last evaluated: 2022-02-19. Review status: criteria provided, single submitter. Criteria: Invitae Variant Classification Sherloc (09022015). Collection method: clinical testing. Allele origin: germline.
Comment: Disruption of this splice site has been observed in individual(s) with breast and/or ovarian cancer (PMID: 21616938, 25470109, 28802053, 30927251, 32107557). This variant is not present in population databases (gnomAD no frequency). This sequence change affects a donor splice site in intron 5 of the RAD51C gene. It is expected to disrupt RNA splicing. Variants that disrupt the donor or acceptor splice site typically lead to a loss of protein function (PMID: 16199547), and loss-of-function variants in RAD51C are known to be pathogenic (PMID: 20400964, 21990120, 24800917). For these reasons, this variant has been classified as Pathogenic. ClinVar contains an entry for this variant (Variation ID: 932211). Studies have shown that disruption of this splice site is associated with altered splicing resulting in multiple RNA products (PMID: 21616938).

Women's Health and Genetics/Laboratory Corporation of America, LabCorp
Classification: Likely pathogenic for Hereditary breast and ovarian cancer syndrome. Last evaluated: 2020-05-11. Review status: criteria provided, single submitter. Criteria: LabCorp Variant Classification Summary - May 2015. Collection method: clinical testing. Allele origin: germline.
Comment: Variant summary: RAD51C c.837+1G>C is located in a canonical splice-site and is predicted to affect mRNA splicing resulting in a significantly altered protein due to either exon skipping, shortening, or inclusion of intronic material. Several computational tools predict a significant impact on normal splicing: Three predict the variant abolishes a 5' splicing donor site. However, these predictions have yet to be confirmed by functional studies. The variant was absent in 251374 control chromosomes (gnomAD). To our knowledge, no occurrence of c.837+1G>C in individuals affected with Hereditary Breast And Ovarian Cancer Syndrome and no experimental evidence demonstrating its impact on protein function have been reported. No clinical diagnostic laboratories have submitted clinical-significance assessments for this variant to ClinVar after 2014. Based on the evidence outlined above, the variant was classified as likely pathogenic.

Laboratory for Genotyping Development, RIKEN
Classification: Pathogenic for Gastric cancer. Last evaluated: 2021-07-01. Review status: no assertion criteria provided. Collection method: research. Allele origin: germline. Not counted in ClinVar's aggregate classification.

Literature cited by the submitters: PubMed 21616938 (cited by Labcorp Genetics (formerly Invitae), Labcorp); PubMed 25470109 (cited by Labcorp Genetics (formerly Invitae), Labcorp); PubMed 28802053 (cited by Labcorp Genetics (formerly Invitae), Labcorp); PubMed 30927251 (cited by Labcorp Genetics (formerly Invitae), Labcorp); PubMed 32107557 (cited by Labcorp Genetics (formerly Invitae), Labcorp); PubMed 16199547 (cited by Labcorp Genetics (formerly Invitae), Labcorp); PubMed 20400964 (cited by Labcorp Genetics (formerly Invitae), Labcorp); PubMed 21990120 (cited by Labcorp Genetics (formerly Invitae), Labcorp); PubMed 24800917 (cited by Labcorp Genetics (formerly Invitae), Labcorp); PubMed 36988593 (cited by Laboratory for Genotyping Development, RIKEN).

NM_058216.3(RAD51C):c.837+1G>C

Gene: RAD51C (RAD51 paralog C; plus strand). Cytogenetic location: 17q22.
Variant type: single nucleotide variant.
Coding change: c.837+1G>C on transcript NM_058216.3 (MANE Select); the canonical splice donor site of the intron after coding-DNA position 837, G replaced by C.
Molecular consequence: splice donor variant.
Genome position (GRCh38, 1-based): chr17:58,709,991, G>C. VCF-style: chr17-58709991-G-C. GRCh37 (hg19) VCF-style: chr17-56787352-G-C.
Identifiers: ClinVar variation 932211 (VCV000932211.27), dbSNP rs760235677, ClinGen allele CA400354549.